The following is an entry in ClinVar:

ClinVar aggregate classification (germline): Uncertain significance (1 of 4 stars; one submission).

gnomAD v4.1: 2 of 1,608,900 alleles (0.00012%); highest among the groups gnomAD compares: East Asian, 0.0045%; no homozygotes.

Submission:

Ambry Genetics
Classification: Uncertain significance. Last evaluated: 2025-03-08. Review status: criteria provided, single submitter. Criteria: Ambry Variant Classification Scheme 2023. Collection method: clinical testing. Allele origin: germline.
Comment: The p.P1107L variant (also known as c.3320C>T), located in coding exon 12 of the WNK2 gene, results from a C to T substitution at nucleotide position 3320. The proline at codon 1107 is replaced by leucine, an amino acid with similar properties. This amino acid position is conserved. In addition, this alteration is predicted to be tolerated by in silico analysis. Based on the available evidence, the clinical significance of this variant remains unclear.

NM_006648.4(WNK2):c.3320C>T (p.Pro1107Leu)

Gene: WNK2 (WNK lysine deficient protein kinase 2; plus strand). Cytogenetic location: 9q22.31.
Variant type: single nucleotide variant.
Coding change: c.3320C>T on transcript NM_006648.4 (MANE Select); coding-DNA position 3320, C replaced by T.
Protein change: p.Pro1107Leu; replaces proline 1107 with leucine.
Molecular consequence: missense variant.
Genome position (GRCh38, 1-based): chr9:93,262,067, C>T. VCF-style: chr9-93262067-C-T. GRCh37 (hg19) VCF-style: chr9-96024349-C-T.
Other names: c.3320C>T, p.Pro1107Leu (NM_001282394.3); short protein forms P1107L.
Identifiers: ClinVar variation 3470745 (VCV003470745.2).